The following is an entry in ClinVar:

ClinVar aggregate classification (germline): Uncertain significance (1 of 4 stars; one submission).

Allele frequency attached by ClinVar (database versions not stated): gnomAD 0.00001; TOPMed 0.00001; ExAC 0.00002.

Submission:

Labcorp Genetics (formerly Invitae), Labcorp
Classification: Uncertain significance. Last evaluated: 2023-01-13. Review status: criteria provided, single submitter. Criteria: Invitae Variant Classification Sherloc (09022015). Collection method: clinical testing. Allele origin: germline.
Comment: In summary, the available evidence is currently insufficient to determine the role of this variant in disease. Therefore, it has been classified as a Variant of Uncertain Significance. Advanced modeling of protein sequence and biophysical properties (such as structural, functional, and spatial information, amino acid conservation, physicochemical variation, residue mobility, and thermodynamic stability) performed at Invitae indicates that this missense variant is not expected to disrupt CASQ1 protein function. This variant has not been reported in the literature in individuals affected with CASQ1-related conditions. This variant is present in population databases (rs764105474, gnomAD 0.003%). This sequence change replaces glutamic acid, which is acidic and polar, with glutamine, which is neutral and polar, at codon 388 of the CASQ1 protein (p.Glu388Gln).

NM_001231.5(CASQ1):c.1162G>C (p.Glu388Gln)

Gene: CASQ1 (calsequestrin 1; plus strand). Cytogenetic location: 1q23.2.
Variant type: single nucleotide variant.
Coding change: c.1162G>C on transcript NM_001231.5 (MANE Select); coding-DNA position 1162, G replaced by C.
Protein change: p.Glu388Gln; replaces glutamic acid 388 with glutamine.
Molecular consequence: missense variant.
Genome position (GRCh38, 1-based): chr1:160,201,347, G>C. VCF-style: chr1-160201347-G-C. GRCh37 (hg19) VCF-style: chr1-160171137-G-C.
Other names: short protein forms E388Q.
Identifiers: ClinVar variation 2867921 (VCV002867921.3), dbSNP rs764105474, ClinGen allele CA1196486.
Genomic context (GRCh38, chr1:160,201,347, plus strand): 5'-CCTTCTGCTGAGGAGCTGGAGGACTGGCTGGAGGATGTCCTGGAGGGCGAGATCAACACA[G>C]AGGACGATGACGATGATGATGATGACTAGTTGCTATGGCAACCATCTTTCAGCCCCACTG-3'
Protein context (NP_001222.3, residues 378-396): EDVLEGEINT[Glu388Gln]DDDDDDDD